The following is an entry in ClinVar:

NM_005751.5(AKAP9):c.5639G>A (p.Arg1880His)

Gene: AKAP9 (A-kinase anchoring protein 9; plus strand). Cytogenetic location: 7q21.2.
Variant type: single nucleotide variant.
Coding change: c.5639G>A on transcript NM_005751.5 (MANE Select); coding-DNA position 5639, G replaced by A.
Protein change: p.Arg1880His; replaces arginine 1880 with histidine.
Molecular consequence: missense variant.
Genome position (GRCh38, 1-based): chr7:92,061,297, G>A. VCF-style: chr7-92061297-G-A. GRCh37 (hg19) VCF-style: chr7-91690611-G-A.
Other names: c.284G>A, p.Arg95His (NM_001379277.1); c.5639G>A, p.Arg1880His (NM_147185.3); short protein forms R1880H, R95H.
Identifiers: ClinVar variation 412027 (VCV000412027.13), dbSNP rs770002854, ClinGen allele CA4336886.
Genomic context (GRCh38, chr7:92,061,297, plus strand): 5'-GTATTGTTTCCCTCTTTGTTTAGCTTGAACATGCGAAAGTGACACAGACAGAGTTGATGC[G>A]TGAGTCATTTAGACAGAAACAAGAAGCAACAGAGTCCCTTAAGTGCCAAGAGGAACTTCG-3'
Protein context (NP_005742.4, residues 1870-1890): HAKVTQTELM[Arg1880His]ESFRQKQEAT

ClinVar aggregate classification (germline): Conflicting classifications of pathogenicity. Review status: criteria provided, conflicting classifications (1 of 4 stars). 3 submissions from 3 submitters: Uncertain significance (2); Likely benign (1). Last evaluated 2025-12-09.

Conditions:
Cardiovascular phenotype. Identifiers: MedGen CN230736.
Long QT syndrome (LQTS). Identifiers: MedGen C0023976, MeSH D008133, MONDO:0002442. Disease mechanism: loss of function. Inheritance: Various modes of inheritance.

Allele frequency attached by ClinVar (database versions not stated): ExAC 0.00002; gnomAD 0.00003; TOPMed 0.00003.
gnomAD v4.1: 61 of 1,612,500 alleles (0.0038%); highest among the groups gnomAD compares: Admixed American, 0.01%; no homozygotes.

Submissions (3):

Labcorp Genetics (formerly Invitae), Labcorp
Classification: Uncertain significance for Long QT syndrome. Last evaluated: 2025-12-09. Review status: criteria provided, single submitter. Criteria: Invitae Variant Classification Sherloc (09022015). Collection method: clinical testing. Allele origin: germline.
Comment: This sequence change replaces arginine, which is basic and polar, with histidine, which is basic and polar, at codon 1880 of the AKAP9 protein (p.Arg1880His). This variant is present in population databases (rs770002854, gnomAD 0.006%). This variant has not been reported in the literature in individuals affected with AKAP9-related conditions. ClinVar contains an entry for this variant (Variation ID: 412027). An algorithm developed to predict the effect of missense changes on protein structure and function outputs the following: PolyPhen-2: "Possibly Damaging". The histidine amino acid residue is found in multiple mammalian species, which suggests that this missense change does not adversely affect protein function. In summary, the available evidence is currently insufficient to determine the role of this variant in disease. Therefore, it has been classified as a Variant of Uncertain Significance.

Ambry Genetics
Classification: Uncertain significance for Cardiovascular phenotype. Last evaluated: 2025-05-10. Review status: criteria provided, single submitter. Criteria: Ambry Variant Classification Scheme 2023. Collection method: clinical testing. Allele origin: germline.
Comment: The p.R1880H variant (also known as c.5639G>A), located in coding exon 23 of the AKAP9 gene, results from a G to A substitution at nucleotide position 5639. The arginine at codon 1880 is replaced by histidine, an amino acid with highly similar properties. Another alteration affecting the same amino acid, p.R1880P (c.5639G>C), has been reported in association with long QT syndrome (Proost D et al. J Mol Diagn, 2017 May;19:445-459). This amino acid position is well conserved in available vertebrate species; however, histidine is the reference amino acid in other vertebrate species. In addition, this alteration is predicted to be tolerated by in silico analysis. Since supporting evidence is limited at this time, the clinical significance of this alteration remains unclear.

Blueprint Genetics
Classification: Likely benign. Last evaluated: 2024-10-23. Review status: criteria provided, single submitter. Criteria: ACMG Guidelines, 2015. Collection method: clinical testing. Allele origin: germline.

Literature cited by the submitters: PubMed 28341588 (cited by Ambry Genetics).